The following is an entry in ClinVar:

NM_203447.4(DOCK8):c.2330T>G (p.Ile777Ser)

Gene: DOCK8 (dedicator of cytokinesis 8; plus strand). Cytogenetic location: 9p24.3.
Variant type: single nucleotide variant.
Coding change: c.2330T>G on transcript NM_203447.4 (MANE Select); coding-DNA position 2330, T replaced by G.
Protein change: p.Ile777Ser; replaces isoleucine 777 with serine.
Molecular consequence: missense variant.
Genome position (GRCh38, 1-based): chr9:377,101, T>G. VCF-style: chr9-377101-T-G. GRCh37 (hg19) VCF-style: chr9-377101-T-G.
Other names: c.2126T>G, p.Ile709Ser (NM_001190458.2, NM_001193536.2); short protein forms I777S, I709S.
Identifiers: ClinVar variation 2099469 (VCV002099469.4), dbSNP rs2538341933, ClinGen allele CA372763285.

ClinVar aggregate classification (germline): Uncertain significance (1 of 4 stars; one submission).

Conditions:
Combined immunodeficiency due to DOCK8 deficiency (HIES2). Also called: HIES autosomal recessive; Hyper-IgE recurrent infection syndrome, autosomal recessive; HYPER-IgE RECURRENT INFECTION SYNDROME 2, AUTOSOMAL RECESSIVE; HYPER-IgE SYNDROME 2, AUTOSOMAL RECESSIVE, WITH RECURRENT INFECTIONS; DOCK8 Deficiency. Identifiers: Orphanet 217390, MedGen C4722305, MONDO:0009478, OMIM 243700.

Allele frequency attached by ClinVar (database versions not stated): gnomAD exomes below 0.00001.
gnomAD v4.1: 1 of 1,612,258 alleles (0.000062%); highest among the groups gnomAD compares: Non-Finnish European, 0.000085%; no homozygotes.

Submission:

Labcorp Genetics (formerly Invitae), Labcorp
Classification: Uncertain significance for Combined immunodeficiency due to DOCK8 deficiency. Last evaluated: 2022-02-19. Review status: criteria provided, single submitter. Criteria: Invitae Variant Classification Sherloc (09022015). Collection method: clinical testing. Allele origin: germline.
Comment: In summary, the available evidence is currently insufficient to determine the role of this variant in disease. Therefore, it has been classified as a Variant of Uncertain Significance. Algorithms developed to predict the effect of missense changes on protein structure and function are either unavailable or do not agree on the potential impact of this missense change (SIFT: "Deleterious"; PolyPhen-2: "Benign"; Align-GVGD: "Class C35"). This variant has not been reported in the literature in individuals affected with DOCK8-related conditions. This variant is not present in population databases (gnomAD no frequency). This sequence change replaces isoleucine, which is neutral and non-polar, with serine, which is neutral and polar, at codon 777 of the DOCK8 protein (p.Ile777Ser).